The following is an entry in ClinVar:

NM_032242.4(PLXNA1):c.846C>T (p.Ile282=)

Gene: PLXNA1 (plexin A1; plus strand). Cytogenetic location: 3q21.3.
Variant type: single nucleotide variant.
Coding change: c.846C>T on transcript NM_032242.4 (MANE Select); coding-DNA position 846, C replaced by T.
Protein change: p.Ile282=; no amino-acid change (isoleucine 282 retained).
Molecular consequence: synonymous variant.
Genome position (GRCh38, 1-based): chr3:126,989,439, C>T. VCF-style: chr3-126989439-C-T. GRCh37 (hg19) VCF-style: chr3-126708282-C-T.
Identifiers: ClinVar variation 3054587 (VCV003054587.2), dbSNP rs146246704, ClinGen allele CA2593061.

ClinVar aggregate classification (germline): Likely benign (0 of 4 stars; one submission).

Conditions:
PLXNA1-related disorder. Also called: PLXNA1-related condition.

Allele frequency attached by ClinVar (database versions not stated): ESP Exome Variant Server 0.00023; 1000 Genomes Project 0.00040; 1000 Genomes Project 30x 0.00047.
gnomAD v4.1: 94 of 1,613,608 alleles (0.0058%); highest among the groups gnomAD compares: African/African-American, 0.035%; no homozygotes.

Submission:

PreventionGenetics, part of Exact Sciences
Classification: Likely benign for PLXNA1-related condition. Last evaluated: 2022-11-03. Review status: no assertion criteria provided. Collection method: clinical testing. Allele origin: germline.
Comment: This variant is classified as likely benign based on ACMG/AMP sequence variant interpretation guidelines (Richards et al. 2015 PMID: 25741868, with internal and published modifications).